The following is an entry in ClinVar:

NM_020338.4(ZMIZ1):c.253C>T (p.Arg85Ter)

Gene: ZMIZ1 (zinc finger MIZ-type containing 1; plus strand). Cytogenetic location: 10q22.3.
Variant type: single nucleotide variant.
Coding change: c.253C>T on transcript NM_020338.4 (MANE Select); coding-DNA position 253, C replaced by T.
Protein change: p.Arg85Ter; replaces arginine 85 with a stop codon.
Molecular consequence: nonsense.
Genome position (GRCh38, 1-based): chr10:79,216,247, C>T. VCF-style: chr10-79216247-C-T. GRCh37 (hg19) VCF-style: chr10-80976004-C-T.
Other names: short protein forms R85*.
Identifiers: ClinVar variation 984582 (VCV000984582.9), dbSNP rs1039220588, ClinGen allele CA377413588.

ClinVar aggregate classification (germline): Pathogenic. Review status: criteria provided, multiple submitters, no conflicts (2 of 4 stars). 4 submissions from 4 submitters: Pathogenic (3). 1 of the submissions does not count toward it. Last evaluated 2026-07-08.

Conditions:
Neurodevelopmental abnormality. Identifiers: MedGen C4022737, HP:0012759.
Neurodevelopmental disorder with dysmorphic facies and distal skeletal anomalies. Identifiers: MedGen C5231448, MONDO:0032855, OMIM 618659.
Inborn genetic diseases. Identifiers: MedGen C0950123, MeSH D030342.

gnomAD v4.1: 1 of 1,591,736 alleles (0.000063%); highest among the groups gnomAD compares: Non-Finnish European, 0.000086%; no homozygotes.

Submissions (4):

Ambry Genetics
Classification: Pathogenic for Inborn genetic diseases. Last evaluated: 2026-07-08. Review status: criteria provided, single submitter. Criteria: Ambry Variant Classification Scheme 2023. Collection method: clinical testing. Allele origin: germline.
Comment: The c.253C>T (p.R85*) alteration, located in exon 7 (coding exon 3) of the ZMIZ1 gene, consists of a C to T substitution at nucleotide position 253. This changes the amino acid from a arginine (R) to a stop codon at amino acid position 85. This variant is expected to result in loss of function by premature protein truncation or nonsense-mediated mRNA decay. This variant was not reported in population-based cohorts in the Genome Aggregation Database (gnomAD). Based on the available evidence, this alteration is classified as pathogenic.

Laboratoire de Génétique Moléculaire, CHU Bordeaux
Classification: Pathogenic for Neurodevelopmental disorder with dysmorphic facies and distal skeletal anomalies. Last evaluated: 2023-01-18. Review status: criteria provided, single submitter. Criteria: ACMG Guidelines, 2015. Collection method: clinical testing. Allele origin: germline. Affected: yes.

Labcorp Genetics (formerly Invitae), Labcorp
Classification: Pathogenic. Last evaluated: 2021-09-08. Review status: criteria provided, single submitter. Criteria: Invitae Variant Classification Sherloc (09022015). Collection method: clinical testing. Allele origin: germline.
Comment: This sequence change creates a premature translational stop signal (p.Arg85*) in the ZMIZ1 gene. It is expected to result in an absent or disrupted protein product. Loss-of-function variants in ZMIZ1 are known to be pathogenic (PMID: 30639322). This variant is not present in population databases (ExAC no frequency). This variant has not been reported in the literature in individuals affected with ZMIZ1-related conditions. ClinVar contains an entry for this variant (Variation ID: 984582). For these reasons, this variant has been classified as Pathogenic.

Department of Genetics, Rouen University Hospital, Normandy Center for Genomic and Personalized Medicine
Classification: Uncertain significance for Neurodevelopmental abnormality. Last evaluated: 2020-04-03. Review status: no assertion criteria provided. Collection method: clinical testing. Allele origin: maternal. Affected: yes. Not counted in ClinVar's aggregate classification.

Literature cited by the submitters: PubMed 30639322 (cited by Labcorp Genetics (formerly Invitae), Labcorp).